The following is an entry in ClinVar:

NM_001321120.2(TBX4):c.1084_1093del (p.Val362fs)

Gene: TBX4 (T-box transcription factor 4; plus strand). Cytogenetic location: 17q23.2.
Variant type: Deletion.
Coding change: c.1084_1093del on transcript NM_001321120.2 (MANE Select); coding-DNA positions 1084 to 1093, 10 bases deleted (GTGGGGGAGG; older notation c.1084_1093delGTGGGGGAGG).
Protein change: p.Val362fs; shifts the reading frame from valine 362.
Molecular consequence: frameshift variant.
Genome position (GRCh38, 1-based): chr17:61,482,959-61,482,968, GTGGGGGAGG deleted; deleting any 10 consecutive bases within chr17:61,482,958-61,482,968 gives the same sequence; the c. name uses the placement nearest the transcript's 3' end. VCF-style (leftmost placement, unchanged base first): chr17-61482957-CGGTGGGGGAG-C. GRCh37 (hg19) VCF-style: chr17-59560318-CGGTGGGGGAG-C.
Other names: c.1081_1090del, p.Val361fs (NM_018488.3); short protein forms V362fs, V361fs.
Identifiers: ClinVar variation 5005787 (VCV005005787.2).
Genomic context (GRCh38, chr17:61,482,957, plus strand): 5'-CAGACGGTACCCGCCACCTGGACTTACCTTGCAAGCGATCCTATCTGGAAGCCCCCTCTT[CGGTGGGGGAG>C]GATCACTATTTCCGTTCCCCCCCTCCCTACGACCAGCAAATGCTGAGCCCCTCCTACTGC-3'

ClinVar aggregate classification (germline): Uncertain significance (1 of 4 stars; one submission).

Conditions:
Coxopodopatellar syndrome. Also called: SCOTT-TAOR SYNDROME; Small patella syndrome; ISCHIOCOXOPODOPATELLAR SYNDROME; PATELLA APLASIA, COXA VARA, AND TARSAL SYNOSTOSIS; ISCHIOPATELLAR DYSPLASIA; Congenital coxa vara, patella aplasia and tarsal synostosis. Identifiers: Orphanet 1509, MedGen C1840061, MONDO:0007841, OMIM 147891.
Autosomal recessive amelia. Identifiers: Orphanet 1027, MedGen C1832432, MONDO:0011054, OMIM 601360.

Submission:

Juno Genomics, Hangzhou Juno Genomics, Inc
Classification: Uncertain significance for Autosomal recessive amelia; Coxopodopatellar syndrome. Review status: criteria provided, single submitter. Criteria: ACMG Guidelines, 2015. Collection method: clinical testing. Allele origin: germline.
Comment: Null variant in a gene where loss of function (LOF) is a known mechanism of disease.;Absent from controls (or at extremely low frequency if recessive) in Genome Aggregation Database.